The following is an entry in ClinVar:

NM_005540.3(INPP5B):c.486dup (p.Asn163Ter)

Gene: INPP5B (inositol polyphosphate-5-phosphatase B; minus strand). Cytogenetic location: 1p34.3.
Variant type: Duplication.
Coding change: c.486dup on transcript NM_005540.3 (MANE Select); coding-DNA position 486, one base duplicated (T; older notation c.486dupT).
Protein change: p.Asn163Ter; replaces asparagine 163 with a stop codon.
Molecular consequence: nonsense. On other transcripts: 5 prime UTR variant (1), non-coding transcript variant (3).
Genome position (GRCh38, 1-based): chr1:37,931,959, A duplicated on the plus strand (T on the coding strand, the reverse complement: INPP5B is on the minus strand). VCF-style (leftmost placement, unchanged base first): chr1-37931958-T-TA. GRCh37 (hg19) VCF-style: chr1-38397630-T-TA.
Other names: c.-241dup (NM_001350228.1); c.486dup, p.Asn163Ter (NM_001365820.1); c.480dup, p.Asn161Ter (NM_001365821.1); c.420dup, p.Asn141Ter (NM_001365822.1); c.291dup, p.Asn98Ter (NM_001365823.1, NM_001365824.1); c.129dup, p.Asn44Ter (NM_001365825.1); short protein forms N141*, N161*, N163*, N44*, N98*.
Identifiers: ClinVar variation 3044345 (VCV003044345.2), dbSNP rs143820864, ClinGen allele CA776271.

ClinVar aggregate classification (germline): Likely benign (0 of 4 stars; one submission).

Conditions:
INPP5B-related disorder. Also called: INPP5B-related condition.

Allele frequency attached by ClinVar (database versions not stated): 1000 Genomes Project 30x 0.00078; TOPMed 0.00136; ExAC 0.00157; ESP Exome Variant Server 0.00177; gnomAD 0.00188; gnomAD exomes 0.00244; 1000 Genomes Project 0.00060.

Submission:

PreventionGenetics, part of Exact Sciences
Classification: Likely benign for INPP5B-related condition. Last evaluated: 2021-08-10. Review status: no assertion criteria provided. Collection method: clinical testing. Allele origin: germline.
Comment: This variant is classified as likely benign based on ACMG/AMP sequence variant interpretation guidelines (Richards et al. 2015 PMID: 25741868, with internal and published modifications).